The following is an entry in ClinVar:

ClinVar aggregate classification (germline): Uncertain significance (1 of 4 stars; one submission).

Allele frequency attached by ClinVar (database versions not stated): gnomAD exomes below 0.00001.

Submission:

Labcorp Genetics (formerly Invitae), Labcorp
Classification: Uncertain significance. Last evaluated: 2020-09-09. Review status: criteria provided, single submitter. Criteria: Invitae Variant Classification Sherloc (09022015). Collection method: clinical testing. Allele origin: germline.
Comment: This sequence change replaces serine with asparagine at codon 679 of the ELP1 protein (p.Ser679Asn). The serine residue is moderately conserved and there is a small physicochemical difference between serine and asparagine. This variant is not present in population databases (ExAC no frequency). This variant has not been reported in the literature in individuals with ELP1-related conditions. Algorithms developed to predict the effect of missense changes on protein structure and function output the following: SIFT: "Tolerated"; PolyPhen-2: "Benign"; Align-GVGD: "Class C0". The asparagine amino acid residue is found in multiple mammalian species, suggesting that this missense change does not adversely affect protein function. These predictions have not been confirmed by published functional studies and their clinical significance is uncertain. In summary, the available evidence is currently insufficient to determine the role of this variant in disease. Therefore, it has been classified as a Variant of Uncertain Significance.

NM_003640.5(ELP1):c.2036G>A (p.Ser679Asn)

Gene: ELP1 (elongator acetyltransferase complex subunit 1; minus strand). Cytogenetic location: 9q31.3.
Variant type: single nucleotide variant.
Coding change: c.2036G>A on transcript NM_003640.5 (MANE Select); coding-DNA position 2036, G replaced by A.
Protein change: p.Ser679Asn; replaces serine 679 with asparagine.
Molecular consequence: missense variant.
Genome position (GRCh38, 1-based): chr9:108,900,354, C>T on the plus strand (G>A on the coding strand, the complement: ELP1 is on the minus strand). VCF-style: chr9-108900354-C-T. GRCh37 (hg19) VCF-style: chr9-111662634-C-T.
Other names: c.1694G>A, p.Ser565Asn (NM_001318360.2); c.989G>A, p.Ser330Asn (NM_001330749.2); short protein forms S679N, S330N, S565N.
Identifiers: ClinVar variation 1046385 (VCV001046385.9), dbSNP rs1828727895, ClinGen allele CA374423537.